The following is an entry in ClinVar:

ClinVar aggregate classification (germline): Uncertain significance. Review status: criteria provided, multiple submitters, no conflicts (2 of 4 stars). 2 submissions from 2 submitters: Uncertain significance (2). Last evaluated 2024-12-17.

Conditions:
Multiple endocrine neoplasia, type 2 (MEN2). Identifiers: Orphanet 653, MedGen C4048306, MONDO:0019003. Disease mechanism: gain of function.
Hereditary cancer-predisposing syndrome. Also called: Neoplastic Syndromes, Hereditary; Hereditary Cancer Syndrome; Hereditary neoplastic syndrome; Tumor predisposition. Identifiers: Orphanet 140162, MedGen C0027672, MeSH D009386, MONDO:0015356.

Submissions (2):

Ambry Genetics
Classification: Uncertain significance for Hereditary cancer-predisposing syndrome. Last evaluated: 2024-12-17. Review status: criteria provided, single submitter. Criteria: Ambry Variant Classification Scheme 2023. Collection method: clinical testing. Allele origin: germline.
Comment: The p.S837A variant (also known as c.2509T>G), located in coding exon 14 of the RET gene, results from a T to G substitution at nucleotide position 2509. The serine at codon 837 is replaced by alanine, an amino acid with similar properties. This amino acid position is conserved. In addition, this alteration is predicted to be tolerated by in silico analysis. Based on the available evidence, the clinical significance of this variant remains unclear.

Labcorp Genetics (formerly Invitae), Labcorp
Classification: Uncertain significance for Multiple endocrine neoplasia, type 2. Last evaluated: 2024-01-18. Review status: criteria provided, single submitter. Criteria: Invitae Variant Classification Sherloc (09022015). Collection method: clinical testing. Allele origin: germline.
Comment: This sequence change replaces serine, which is neutral and polar, with alanine, which is neutral and non-polar, at codon 837 of the RET protein (p.Ser837Ala). This variant is not present in population databases (gnomAD no frequency). This variant has not been reported in the literature in individuals affected with RET-related conditions. Algorithms developed to predict the effect of missense changes on protein structure and function output the following: SIFT: "Not Available"; PolyPhen-2: "Benign"; Align-GVGD: "Not Available". The alanine amino acid residue is found in multiple mammalian species, which suggests that this missense change does not adversely affect protein function. In summary, the available evidence is currently insufficient to determine the role of this variant in disease. Therefore, it has been classified as a Variant of Uncertain Significance.

NM_020975.6(RET):c.2509T>G (p.Ser837Ala)

Gene: RET (ret proto-oncogene; plus strand). Cytogenetic location: 10q11.21.
Variant type: single nucleotide variant.
Coding change: c.2509T>G on transcript NM_020975.6 (MANE Select); coding-DNA position 2509, T replaced by G.
Protein change: p.Ser837Ala; replaces serine 837 with alanine.
Molecular consequence: missense variant.
Genome position (GRCh38, 1-based): chr10:43,119,647, T>G. VCF-style: chr10-43119647-T-G. GRCh37 (hg19) VCF-style: chr10-43615095-T-G.
Other names: c.2509T>G, p.Ser837Ala (NM_000323.2, NM_001406743.1, NM_001406744.1 and 4 more transcripts); c.1747T>G, p.Ser583Ala (NM_001355216.2); c.2380T>G, p.Ser794Ala (NM_001406761.1, NM_001406762.1, NM_001406764.1); c.2374T>G, p.Ser792Ala (NM_001406763.1, NM_001406765.1); c.2221T>G, p.Ser741Ala (NM_001406766.1, NM_001406767.1, NM_001406770.1); c.2245T>G, p.Ser749Ala (NM_001406768.1); c.2113T>G, p.Ser705Ala (NM_001406769.1, NM_001406772.1); c.2071T>G, p.Ser691Ala (NM_001406771.1, NM_001406773.1); and 10 more; short protein forms S495A, S498A, S691A, S705A, S741A, S837A, S402A, S595A.
Identifiers: ClinVar variation 2870666 (VCV002870666.4), dbSNP rs2538565555, ClinGen allele CA376556414.